The following is an entry in ClinVar:

NM_014251.3(SLC25A13):c.1079G>A (p.Arg360Gln)

Gene: SLC25A13 (solute carrier family 25 member 13; minus strand). Cytogenetic location: 7q21.3.
Variant type: single nucleotide variant.
Coding change: c.1079G>A on transcript NM_014251.3 (MANE Select); coding-DNA position 1079, G replaced by A.
Protein change: p.Arg360Gln; replaces arginine 360 with glutamine.
Molecular consequence: missense variant. On other transcripts: non-coding transcript variant (1).
Genome position (GRCh38, 1-based): chr7:96,184,375, C>T on the plus strand (G>A on the coding strand, the complement: SLC25A13 is on the minus strand). VCF-style: chr7-96184375-C-T. GRCh37 (hg19) VCF-style: chr7-95813687-C-T.
Other names: c.1082G>A, p.Arg361Gln (NM_001160210.2); short protein forms R360Q, R361Q.
Identifiers: ClinVar variation 1365933 (VCV001365933.3), dbSNP rs918547530, ClinGen allele CA162991456.

ClinVar aggregate classification (germline): Uncertain significance (1 of 4 stars; one submission).

Conditions:
Citrin deficiency. Identifiers: Orphanet 247582, MedGen C1997910, MONDO:0016602.

Allele frequency attached by ClinVar (database versions not stated): gnomAD exomes 0.00001; gnomAD 0.00005; TOPMed 0.00006.
gnomAD v4.1: 22 of 1,613,986 alleles (0.0014%); highest among the groups gnomAD compares: African/African-American, 0.0093%; no homozygotes.

Submission:

Labcorp Genetics (formerly Invitae), Labcorp
Classification: Uncertain significance for Citrin deficiency. Last evaluated: 2022-09-13. Review status: criteria provided, single submitter. Criteria: Invitae Variant Classification Sherloc (09022015). Collection method: clinical testing. Allele origin: germline.
Comment: This sequence change replaces arginine, which is basic and polar, with glutamine, which is neutral and polar, at codon 360 of the SLC25A13 protein (p.Arg360Gln). This variant is present in population databases (no rsID available, gnomAD 0.01%). This variant has not been reported in the literature in individuals affected with SLC25A13-related conditions. ClinVar contains an entry for this variant (Variation ID: 1365933). Advanced modeling of protein sequence and biophysical properties (such as structural, functional, and spatial information, amino acid conservation, physicochemical variation, residue mobility, and thermodynamic stability) performed at Invitae indicates that this missense variant is expected to disrupt SLC25A13 protein function. In summary, the available evidence is currently insufficient to determine the role of this variant in disease. Therefore, it has been classified as a Variant of Uncertain Significance.